The following is an entry in ClinVar:

NM_001371596.2(MFSD8):c.*675T>C

Gene: MFSD8 (major facilitator superfamily domain containing 8; minus strand). Cytogenetic location: 4q28.2.
Variant type: single nucleotide variant.
Coding change: c.*675T>C on transcript NM_001371596.2 (MANE Select); 675 bases downstream of the stop codon, T replaced by C.
Molecular consequence: 3 prime UTR variant.
Genome position (GRCh38, 1-based): chr4:127,919,955, A>G on the plus strand (T>C on the coding strand, the complement: MFSD8 is on the minus strand). VCF-style: chr4-127919955-A-G. GRCh37 (hg19) VCF-style: chr4-128841110-A-G.
Other names: c.*675T>C (NM_001363520.3, NM_001363521.3, NM_001371590.2 and 7 more transcripts); c.*1804T>C (NM_001410766.1).
Identifiers: ClinVar variation 901838 (VCV000901838.6), dbSNP rs148636320, ClinGen allele CA105669289.

ClinVar aggregate classification (germline): Likely benign (1 of 4 stars; one submission).

Conditions:
Neuronal ceroid lipofuscinosis 7 (CLN7). Also called: MFSD8-Related Neuronal Ceroid-Lipofuscinosis. Identifiers: Orphanet 168491, Orphanet 228366, MedGen C1838571, MONDO:0012588, OMIM 610951.

Allele frequency attached by ClinVar (database versions not stated): gnomAD 0.00444 and 0.00481; TOPMed 0.00510; 1000 Genomes Project 0.00519; 1000 Genomes Project 30x 0.00547.

Submission:

Illumina Laboratory Services, Illumina
Classification: Likely benign for Neuronal ceroid lipofuscinosis 7. Last evaluated: 2018-01-13. Review status: criteria provided, single submitter. Criteria: ICSL Variant Classification Criteria 13 December 2019. Collection method: clinical testing. Allele origin: germline.
Comment: This variant was observed in the ICSL laboratory as part of a predisposition screen in an ostensibly healthy population. It had not been previously curated by ICSL or reported in the Human Gene Mutation Database (HGMD: prior to June 1st, 2018), and was therefore a candidate for classification through an automated scoring system. Utilizing variant allele frequency, disease prevalence and penetrance estimates, and inheritance mode, an automated score was calculated to assess if this variant is too frequent to cause the disease. Based on the score and internal cut-off values, a variant classified as likely benign is not then subjected to further curation. The score for this variant resulted in a classification of likely benign for this disease.